The following is an entry in ClinVar:

NM_001008388.5(CISD2):c.227A>T (p.Gln76Leu)

Genes: CISD2 (CDGSH iron sulfur domain 2; plus strand), SLC9B1 (solute carrier family 9 member B1; minus strand). Cytogenetic location: 4q24.
Variant type: single nucleotide variant.
Coding change: c.227A>T on transcript NM_001008388.5 (MANE Select); coding-DNA position 227, A replaced by T.
Protein change: p.Gln76Leu; replaces glutamine 76 with leucine.
Molecular consequence: missense variant. On other transcripts: intron variant (1).
Genome position (GRCh38, 1-based): chr4:102,885,339, A>T. VCF-style: chr4-102885339-A-T. GRCh37 (hg19) VCF-style: chr4-103806496-A-T.
Other names: c.1333-11T>A (NM_001100874.3); short protein forms Q76L.
Identifiers: ClinVar variation 1447415 (VCV001447415.7), dbSNP rs2110400421, ClinGen allele CA357762939.
Genomic context (GRCh38, chr4:102,885,339, plus strand): 5'-TTCGTCCATTCCTCCCGAAGAAGAAACAACAGAAGGATAGCTTGATTAATCTTAAAATAC[A>T]AAAGGAAAATCCGAAAGTAGTGAATGAAATAAACATTGAAGATTTGTGTCTTACTAAAGC-3'
Protein context (NP_001008389.1, residues 66-86): QKDSLINLKI[Gln76Leu]KENPKVVNEI

ClinVar aggregate classification (germline): Uncertain significance (1 of 4 stars; one submission).

Submission:

Labcorp Genetics (formerly Invitae), Labcorp
Classification: Uncertain significance. Last evaluated: 2024-11-11. Review status: criteria provided, single submitter. Criteria: Invitae Variant Classification Sherloc (09022015). Collection method: clinical testing. Allele origin: germline.
Comment: This sequence change replaces glutamine, which is neutral and polar, with leucine, which is neutral and non-polar, at codon 76 of the CISD2 protein (p.Gln76Leu). This variant is not present in population databases (gnomAD no frequency). This variant has not been reported in the literature in individuals affected with CISD2-related conditions. ClinVar contains an entry for this variant (Variation ID: 1447415). An algorithm developed to predict the effect of missense changes on protein structure and function (PolyPhen-2) suggests that this variant is likely to be disruptive. In summary, the available evidence is currently insufficient to determine the role of this variant in disease. Therefore, it has been classified as a Variant of Uncertain Significance.